The following is an entry in ClinVar:

NM_000257.4(MYH7):c.5531A>G (p.Glu1844Gly)

Gene: MYH7 (myosin heavy chain 7; minus strand). Cytogenetic location: 14q11.2.
Variant type: single nucleotide variant.
Coding change: c.5531A>G on transcript NM_000257.4 (MANE Select); coding-DNA position 5531, A replaced by G.
Protein change: p.Glu1844Gly; replaces glutamic acid 1844 with glycine.
Molecular consequence: missense variant.
Genome position (GRCh38, 1-based): chr14:23,415,023, T>C on the plus strand (A>G on the coding strand, the complement: MYH7 is on the minus strand). VCF-style: chr14-23415023-T-C. GRCh37 (hg19) VCF-style: chr14-23884232-T-C.
Other names: c.5531A>G, p.Glu1844Gly (NM_001407004.1); short protein forms E1844G.
Identifiers: ClinVar variation 3635991 (VCV003635991.2).

ClinVar aggregate classification (germline): Uncertain significance (1 of 4 stars; one submission).

Conditions:
Hypertrophic cardiomyopathy. Also called: HYPERTROPHIC MYOCARDIOPATHY. Identifiers: Orphanet 217569, MedGen C0007194, MeSH D002312, MONDO:0005045, HP:0001639.

Submission:

Labcorp Genetics (formerly Invitae), Labcorp
Classification: Uncertain significance for Hypertrophic cardiomyopathy. Last evaluated: 2024-06-08. Review status: criteria provided, single submitter. Criteria: Invitae Variant Classification Sherloc (09022015). Collection method: clinical testing. Allele origin: germline.
Comment: This sequence change replaces glutamic acid, which is acidic and polar, with glycine, which is neutral and non-polar, at codon 1844 of the MYH7 protein (p.Glu1844Gly). This variant is not present in population databases (gnomAD no frequency). This variant has not been reported in the literature in individuals affected with MYH7-related conditions. Advanced modeling of protein sequence and biophysical properties (such as structural, functional, and spatial information, amino acid conservation, physicochemical variation, residue mobility, and thermodynamic stability) performed at Invitae indicates that this missense variant is expected to disrupt MYH7 protein function with a positive predictive value of 95%. In summary, the available evidence is currently insufficient to determine the role of this variant in disease. Therefore, it has been classified as a Variant of Uncertain Significance.